The following is an entry in ClinVar:

ClinVar aggregate classification (germline): Pathogenic. Review status: criteria provided, multiple submitters, no conflicts (2 of 4 stars). 2 submissions from 2 submitters: Pathogenic (2). Last evaluated 2017-08-24.

Conditions:
Genetic hearing loss. Also called: Hereditary hearing loss; Hereditary hearing disorder. Identifiers: MedGen C0236038.

Submissions (2):

GeneDx
Classification: Pathogenic. Last evaluated: 2017-08-24. Review status: criteria provided, single submitter. Criteria: GeneDx Variant Classification (06012015). Collection method: clinical testing. Allele origin: germline. Affected: yes.
Comment: The c.827delC variant in the SF3B4 gene has not been reported previously as a pathogenic variant nor as a benign variant, to our knowledge. This variant causes a frameshift starting with codon Proline 276, changes this amino acid to a Histidine residue, and creates a premature Stop codon at position 44 of the new reading frame, denoted p.Pro276HisfsX44. This variant is predicted to cause loss of normal protein function either through protein truncation or nonsense-mediated mRNA decay. The c.827delC variant is not observed in large population cohorts (Lek et al., 2016; 1000 Genomes Consortium et al., 2015; Exome Variant Server). We interpret c.827delC as a pathogenic variant.

Centre for Mendelian Genomics, University Medical Centre Ljubljana
Classification: Pathogenic for Hearing loss. Last evaluated: 2016-11-30. Review status: criteria provided, single submitter. Criteria: ACMG Guidelines, 2015. Collection method: clinical testing. Allele origin: unknown. Inheritance: Autosomal dominant inheritance. Affected: yes. Observed: 1 variant allele, 1 heterozygote.

NM_005850.5(SF3B4):c.827del (p.Pro276fs)

Gene: SF3B4 (splicing factor 3b subunit 4; minus strand). Cytogenetic location: 1q21.2.
Variant type: Deletion.
Coding change: c.827del on transcript NM_005850.5 (MANE Select); coding-DNA position 827, one base deleted (C; older notation c.827delC).
Protein change: p.Pro276fs; shifts the reading frame from proline 276.
Molecular consequence: frameshift variant.
Genome position (GRCh38, 1-based): chr1:149,925,922, G deleted on the plus strand (C on the coding strand, the reverse complement: SF3B4 is on the minus strand); the first of 6 consecutive G bases (chr1:149,925,922-149,925,927); deleting any one gives the same sequence. VCF-style (leftmost placement, unchanged base first): chr1-149925921-TG-T. GRCh37 (hg19) VCF-style: chr1-149897813-TG-T.
Other names: short protein forms P276fs.
Identifiers: ClinVar variation 446295 (VCV000446295.4), dbSNP rs797045128, ClinGen allele CA645525965.